The following is an entry in ClinVar:

ClinVar aggregate classification (germline): Likely benign (0 of 4 stars; one submission).

Conditions:
ATXN8OS-related disorder. Also called: ATXN8OS-related condition.

Allele frequency attached by ClinVar (database versions not stated): gnomAD 0.00005; gnomAD exomes 0.00005; TOPMed 0.00012.
gnomAD v4.1: 22 of 398,240 alleles (0.0055%); highest among the groups gnomAD compares: Admixed American, 0.018%; no homozygotes.

Submission:

PreventionGenetics, part of Exact Sciences
Classification: Likely benign for ATXN8OS-related condition. Last evaluated: 2023-04-04. Review status: no assertion criteria provided. Collection method: clinical testing. Allele origin: germline.
Comment: This variant is classified as likely benign based on ACMG/AMP sequence variant interpretation guidelines (Richards et al. 2015 PMID: 25741868, with internal and published modifications).

NR_185841.1(ATXN8OS):n.521C>T

Gene: ATXN8OS (ATXN8 opposite strand lncRNA; plus strand). Cytogenetic location: 13q21.33.
Variant type: single nucleotide variant.
Molecular consequence: non-coding transcript variant (on NR_185841.1).
Genome position: GRCh38 VCF-style: chr13-70130745-C-T. GRCh37 (hg19) VCF-style: chr13-70704877-C-T.
Identifiers: ClinVar variation 3036741 (VCV003036741.2), dbSNP rs906054166, ClinGen allele CA252265645.